The following is an entry in ClinVar:

NM_014324.6(AMACR):c.860T>C (p.Phe287Ser)

Genes: AMACR (alpha-methylacyl-CoA racemase; minus strand), C1QTNF3-AMACR (C1QTNF3-AMACR readthrough (NMD candidate); minus strand). Cytogenetic location: 5p13.2.
Variant type: single nucleotide variant.
Coding change: c.860T>C on transcript NM_014324.6 (MANE Select); coding-DNA position 860, T replaced by C.
Protein change: p.Phe287Ser; replaces phenylalanine 287 with serine.
Molecular consequence: missense variant. On other transcripts: non-coding transcript variant (1), 3 prime UTR variant (1).
Genome position (GRCh38, 1-based): chr5:33,989,382, A>G on the plus strand (T>C on the coding strand, the complement: AMACR is on the minus strand). VCF-style: chr5-33989382-A-G. GRCh37 (hg19) VCF-style: chr5-33989487-A-G.
Other names: c.860T>C, p.Phe287Ser (NM_001167595.2); c.*102T>C (NM_203382.3); short protein forms F287S.
Identifiers: ClinVar variation 5002310 (VCV005002310.1).

ClinVar aggregate classification (germline): Uncertain significance (1 of 4 stars; one submission).

Conditions:
AMACR-related disorder. Also called: AMACR-Related Disorders; AMACR-related condition.

Submission:

PreventionGenetics, part of Exact Sciences
Classification: Uncertain significance for AMACR-related condition. Last evaluated: 2024-12-19. Review status: criteria provided, single submitter. Criteria: ACMG Guidelines, 2015. Collection method: clinical testing. Allele origin: germline.
Comment: The AMACR c.860T>C variant is predicted to result in the amino acid substitution p.Phe287Ser. To our knowledge, this variant has not been reported in the literature or in a large population database (gnomAD), indicating this variant is rare. At this time, the clinical significance of this variant is uncertain due to the absence of conclusive functional and genetic evidence.